The following is an entry in ClinVar:

ClinVar aggregate classification (germline): Likely benign (0 of 4 stars; one submission).

Conditions:
TRPM4-related disorder. Also called: TRPM4-related disorders; TRPM4-related condition. Identifiers: MedGen CN239424.

Allele frequency attached by ClinVar (database versions not stated): TOPMed below 0.00001; ExAC 0.00001; gnomAD 0.00001; 1000 Genomes Project 30x 0.00016; 1000 Genomes Project 0.00020.
gnomAD v4.1: 7 of 1,614,256 alleles (0.00043%); highest among the groups gnomAD compares: South Asian, 0.0011%; no homozygotes.

Submission:

PreventionGenetics, part of Exact Sciences
Classification: Likely benign for TRPM4-related condition. Last evaluated: 2022-02-23. Review status: no assertion criteria provided. Collection method: clinical testing. Allele origin: germline.
Comment: This variant is classified as likely benign based on ACMG/AMP sequence variant interpretation guidelines (Richards et al. 2015 PMID: 25741868, with internal and published modifications).

NM_017636.4(TRPM4):c.3219C>T (p.Pro1073=)

Gene: TRPM4 (transient receptor potential cation channel subfamily M member 4; plus strand). Cytogenetic location: 19q13.33.
Variant type: single nucleotide variant.
Coding change: c.3219C>T on transcript NM_017636.4 (MANE Select); coding-DNA position 3219, C replaced by T.
Protein change: p.Pro1073=; no amino-acid change (proline 1073 retained).
Molecular consequence: synonymous variant.
Genome position (GRCh38, 1-based): chr19:49,210,296, C>T. VCF-style: chr19-49210296-C-T. GRCh37 (hg19) VCF-style: chr19-49713553-C-T.
Other names: c.2784C>T, p.Pro928= (NM_001195227.2); c.2874C>T, p.Pro958= (NM_001321281.2); c.1611C>T, p.Pro537= (NM_001321282.2); c.2697C>T, p.Pro899= (NM_001321283.2); c.2157C>T, p.Pro719= (NM_001321285.2).
Identifiers: ClinVar variation 3058976 (VCV003058976.2), dbSNP rs553629839, ClinGen allele CA9569818.